The following is an entry in ClinVar:

NM_006648.4(WNK2):c.1757C>T (p.Pro586Leu)

Gene: WNK2 (WNK lysine deficient protein kinase 2; plus strand). Cytogenetic location: 9q22.31.
Variant type: single nucleotide variant.
Coding change: c.1757C>T on transcript NM_006648.4 (MANE Select); coding-DNA position 1757, C replaced by T.
Protein change: p.Pro586Leu; replaces proline 586 with leucine.
Molecular consequence: missense variant.
Genome position (GRCh38, 1-based): chr9:93,247,757, C>T. VCF-style: chr9-93247757-C-T. GRCh37 (hg19) VCF-style: chr9-96010039-C-T.
Other names: c.1757C>T, p.Pro586Leu (NM_001282394.3); short protein forms P586L.
Identifiers: ClinVar variation 4201663 (VCV004201663.1).
Genomic context (GRCh38, chr9:93,247,757, plus strand): 5'-GTCCGCCGGTGCCCCTGCAGGTCCAGGTGACCTACCATGCACAGGCTGGGCAGCCCGGGC[C>T]ACCAGAGCCCGAGGAGCCGGAGGCCGACCAGCACCTCCTGCCACCTACGTTGCCGACCAG-3'
Protein context (NP_006639.3, residues 576-596): TYHAQAGQPG[Pro586Leu]PEPEEPEADQ

ClinVar aggregate classification (germline): Uncertain significance (1 of 4 stars; one submission).

Submission:

Ambry Genetics
Classification: Uncertain significance. Last evaluated: 2025-07-25. Review status: criteria provided, single submitter. Criteria: Ambry Variant Classification Scheme 2023. Collection method: clinical testing. Allele origin: germline.
Comment: The p.P586L variant (also known as c.1757C>T), located in coding exon 7 of the WNK2 gene, results from a C to T substitution at nucleotide position 1757. The proline at codon 586 is replaced by leucine, an amino acid with similar properties. This amino acid position is conserved. In addition, this alteration is predicted to be tolerated by in silico analysis. Based on the available evidence, the clinical significance of this variant remains unclear.